The following is an entry in ClinVar:

NM_003680.4(YARS1):c.964G>A (p.Asp322Asn)

Gene: YARS1 (tyrosyl-tRNA synthetase 1; minus strand). Cytogenetic location: 1p35.1.
Variant type: single nucleotide variant.
Coding change: c.964G>A on transcript NM_003680.4 (MANE Select); coding-DNA position 964, G replaced by A.
Protein change: p.Asp322Asn; replaces aspartic acid 322 with asparagine.
Molecular consequence: missense variant.
Genome position (GRCh38, 1-based): chr1:32,782,482, C>T on the plus strand (G>A on the coding strand, the complement: YARS1 is on the minus strand). VCF-style: chr1-32782482-C-T. GRCh37 (hg19) VCF-style: chr1-33248083-C-T.
Other names: short protein forms D322N.
Identifiers: ClinVar variation 3650995 (VCV003650995.2).

ClinVar aggregate classification (germline): Uncertain significance (1 of 4 stars; one submission).

Conditions:
Charcot-Marie-Tooth disease dominant intermediate C (CMTDIC). Also called: CHARCOT-MARIE-TOOTH NEUROPATHY, DOMINANT INTERMEDIATE C. Identifiers: Orphanet 100045, MedGen C1842237, MONDO:0012012, OMIM 608323.

gnomAD v4.1: 18 of 1,613,958 alleles (0.0011%); highest among the groups gnomAD compares: South Asian, 0.02%; no homozygotes.

Submission:

Labcorp Genetics (formerly Invitae), Labcorp
Classification: Uncertain significance for Charcot-Marie-Tooth disease dominant intermediate C. Last evaluated: 2024-05-23. Review status: criteria provided, single submitter. Criteria: Invitae Variant Classification Sherloc (09022015). Collection method: clinical testing. Allele origin: germline.
Comment: This sequence change replaces aspartic acid, which is acidic and polar, with asparagine, which is neutral and polar, at codon 322 of the YARS protein (p.Asp322Asn). This variant is present in population databases (rs778008635, gnomAD 0.03%). This variant has not been reported in the literature in individuals affected with YARS-related conditions. Advanced modeling of protein sequence and biophysical properties (such as structural, functional, and spatial information, amino acid conservation, physicochemical variation, residue mobility, and thermodynamic stability) performed at Invitae indicates that this missense variant is not expected to disrupt YARS protein function with a negative predictive value of 80%. In summary, the available evidence is currently insufficient to determine the role of this variant in disease. Therefore, it has been classified as a Variant of Uncertain Significance.